The following is an entry in ClinVar:

NM_000565.4(IL6R):c.301C>T (p.Arg101Cys)

Gene: IL6R (interleukin 6 receptor; plus strand). Cytogenetic location: 1q21.3.
Variant type: single nucleotide variant.
Coding change: c.301C>T on transcript NM_000565.4 (MANE Select); coding-DNA position 301, C replaced by T.
Protein change: p.Arg101Cys; replaces arginine 101 with cysteine.
Molecular consequence: missense variant. On other transcripts: intron variant (1).
Genome position (GRCh38, 1-based): chr1:154,429,411, C>T. VCF-style: chr1-154429411-C-T. GRCh37 (hg19) VCF-style: chr1-154401887-C-T.
Other names: c.301C>T, p.Arg101Cys (NM_001206866.2, NM_001382769.1, NM_001382770.1 and 4 more transcripts); c.126+175C>T (NM_001382774.1); c.301C>T (NM_000565.3); short protein forms R101C.
Identifiers: ClinVar variation 2082590 (VCV002082590.2), dbSNP rs761749675, ClinGen allele CA1128963.

ClinVar aggregate classification (germline): Uncertain significance. Review status: criteria provided, multiple submitters, no conflicts (2 of 4 stars). 2 submissions from 2 submitters: Uncertain significance (2). Last evaluated 2024-03-28.

Allele frequency attached by ClinVar (database versions not stated): ExAC 0.00002; gnomAD exomes 0.00002; TOPMed 0.00011; gnomAD 0.00013.
gnomAD v4.1: 48 of 1,613,722 alleles (0.003%); highest among the groups gnomAD compares: Admixed American, 0.055%; 1 homozygote.

Submissions (2):

Ambry Genetics
Classification: Uncertain significance. Last evaluated: 2024-03-28. Review status: criteria provided, single submitter. Criteria: Ambry Variant Classification Scheme 2023. Collection method: clinical testing. Allele origin: germline.

Labcorp Genetics (formerly Invitae), Labcorp
Classification: Uncertain significance. Last evaluated: 2022-07-24. Review status: criteria provided, single submitter. Criteria: Invitae Variant Classification Sherloc (09022015). Collection method: clinical testing. Allele origin: germline.
Comment: This sequence change replaces arginine, which is basic and polar, with cysteine, which is neutral and slightly polar, at codon 101 of the IL6R protein (p.Arg101Cys). This variant is present in population databases (rs761749675, gnomAD 0.05%). This variant has not been reported in the literature in individuals affected with IL6R-related conditions. Algorithms developed to predict the effect of missense changes on protein structure and function (SIFT, PolyPhen-2, Align-GVGD) all suggest that this variant is likely to be tolerated. In summary, the available evidence is currently insufficient to determine the role of this variant in disease. Therefore, it has been classified as a Variant of Uncertain Significance.